The following is an entry in ClinVar:

NM_001267550.2(TTN):c.106091A>G (p.Glu35364Gly)

Genes: TTN-AS1 (TTN antisense RNA 1; plus strand), TTN (titin; minus strand), LOC129935182 (ATAC-STARR-seq lymphoblastoid active region 16807; plus strand). Cytogenetic location: 2q31.2.
Variant type: single nucleotide variant.
Coding change: c.106091A>G on transcript NM_001267550.2 (MANE Select); coding-DNA position 106091, A replaced by G.
Protein change: p.Glu35364Gly; replaces glutamic acid 35364 with glycine.
Molecular consequence: missense variant.
Genome position (GRCh38, 1-based): chr2:178,530,524, T>C on the plus strand (A>G on the coding strand, the complement: TTN is on the minus strand). VCF-style: chr2-178530524-T-C. GRCh37 (hg19) VCF-style: chr2-179395251-T-C.
Other names: c.101168A>G, p.Glu33723Gly (NM_001256850.1); c.78896A>G, p.Glu26299Gly (NM_003319.4); c.98387A>G, p.Glu32796Gly (NM_133378.4); c.79271A>G, p.Glu26424Gly (NM_133432.3); c.79472A>G, p.Glu26491Gly (NM_133437.4); short protein forms E32796G, E26299G, E26491G, E26424G, E33723G, E35364G.
Identifiers: ClinVar variation 1366426 (VCV001366426.8), dbSNP rs1688643496, ClinGen allele CA349407052.
Genomic context (GRCh38, chr2:178,530,524, plus strand): 5'-TCATGGATACTCTTAAAGGCTTGCCCCATAAATTGTAAGTTGGTTTTAGACGTTCCACCT[T>C]CACCAGAAATCTCACAAACATATTCTCCTTGATCAGATTCAGTGAGGTTATTGATTTTGA-3'
Protein context (NP_001254479.2, residues 35354-35374): QGEYVCEISG[Glu35364Gly]GGTSKTNLQF

ClinVar aggregate classification (germline): Uncertain significance (1 of 4 stars; one submission).

Conditions:
Dilated cardiomyopathy 1G (CMD1G). Identifiers: Orphanet 154, MedGen C1858763, MONDO:0011400, OMIM 604145.
Autosomal recessive limb-girdle muscular dystrophy type 2J (LGMDR10). Also called: Limb-girdle muscular dystrophy, type 2J; MUSCULAR DYSTROPHY, LIMB-GIRDLE, AUTOSOMAL RECESSIVE 10. Identifiers: Orphanet 140922, MedGen C1837342, MONDO:0012127, OMIM 608807.

Allele frequency attached by ClinVar (database versions not stated): TOPMed below 0.00001.

Submission:

Labcorp Genetics (formerly Invitae), Labcorp
Classification: Uncertain significance for Dilated cardiomyopathy 1G; Autosomal recessive limb-girdle muscular dystrophy type 2J. Last evaluated: 2023-07-17. Review status: criteria provided, single submitter. Criteria: Invitae Variant Classification Sherloc (09022015). Collection method: clinical testing. Allele origin: germline.
Comment: This variant is located in the M band of TTN (PMID: 25589632). Variants in this region may be relevant for neuromuscular disorders, but have not been definitively shown to cause cardiomyopathy (PMID: 23975875). Experimental studies and prediction algorithms are not available or were not evaluated, and the functional significance of this variant is currently unknown. ClinVar contains an entry for this variant (Variation ID: 1366426). This variant has not been reported in the literature in individuals affected with TTN-related conditions. This variant is not present in population databases (gnomAD no frequency). This sequence change replaces glutamic acid, which is acidic and polar, with glycine, which is neutral and non-polar, at codon 35364 of the TTN protein (p.Glu35364Gly). In summary, the available evidence is currently insufficient to determine the role of this variant in disease. Therefore, it has been classified as a Variant of Uncertain Significance.

Literature cited by the submitters: PubMed 25589632; PubMed 23975875.